The following is an entry in ClinVar:

NM_138387.4(G6PC3):c.566G>C (p.Arg189Pro)

Gene: G6PC3 (glucose-6-phosphatase catalytic subunit 3; plus strand). Cytogenetic location: 17q21.31.
Variant type: single nucleotide variant.
Coding change: c.566G>C on transcript NM_138387.4 (MANE Select); coding-DNA position 566, G replaced by C.
Protein change: p.Arg189Pro; replaces arginine 189 with proline.
Molecular consequence: missense variant. On other transcripts: synonymous variant (1).
Genome position (GRCh38, 1-based): chr17:44,075,340, G>C. VCF-style: chr17-44075340-G-C. GRCh37 (hg19) VCF-style: chr17-42152708-G-C.
Other names: c.447G>C, p.Pro149= (NM_001319945.2); c.221G>C, p.Arg74Pro (NM_001384165.1, NM_001384166.1, NM_001384167.1 and 1 more transcripts); short protein forms R74P, R189P.
Identifiers: ClinVar variation 4260969 (VCV004260969.1).

ClinVar aggregate classification (germline): Uncertain significance (1 of 4 stars; one submission).

Conditions:
Inborn genetic diseases. Identifiers: MedGen C0950123, MeSH D030342.

Submission:

Ambry Genetics
Classification: Uncertain significance for Inborn genetic diseases. Last evaluated: 2025-06-20. Review status: criteria provided, single submitter. Criteria: Ambry Variant Classification Scheme 2023. Collection method: clinical testing. Allele origin: germline.
Comment: The p.R189P variant (also known as c.566G>C), located in coding exon 5 of the G6PC3 gene, results from a G to C substitution at nucleotide position 566. The arginine at codon 189 is replaced by proline, an amino acid with dissimilar properties. This amino acid position is conserved. In addition, the in silico prediction for this alteration is inconclusive. Based on the available evidence, the clinical significance of this variant remains unclear.